The following is an entry in ClinVar:

ClinVar aggregate classification (germline): Uncertain significance (1 of 4 stars; one submission).

Submission:

CeGaT Center for Human Genetics Tuebingen
Classification: Uncertain significance. Last evaluated: 2023-09-01. Review status: criteria provided, single submitter. Criteria: CeGaT Center For Human Genetics Tuebingen Variant Classification Criteria Version 2. Collection method: clinical testing. Allele origin: germline. Affected: yes. Observed: 1 variant allele.
Comment: RERE: PM2

NM_001042681.2(RERE):c.4538C>T (p.Ala1513Val)

Gene: RERE (arginine-glutamic acid dipeptide repeats; minus strand). Cytogenetic location: 1p36.23.
Variant type: single nucleotide variant.
Coding change: c.4538C>T on transcript NM_001042681.2 (MANE Select); coding-DNA position 4538, C replaced by T.
Protein change: p.Ala1513Val; replaces alanine 1513 with valine.
Molecular consequence: missense variant.
Genome position (GRCh38, 1-based): chr1:8,355,548, G>A on the plus strand (C>T on the coding strand, the complement: RERE is on the minus strand). VCF-style: chr1-8355548-G-A. GRCh37 (hg19) VCF-style: chr1-8415608-G-A.
Other names: c.2876C>T, p.Ala959Val (NM_001042682.2); c.4538C>T, p.Ala1513Val (NM_012102.4); short protein forms A1513V, A959V.
Identifiers: ClinVar variation 2638159 (VCV002638159.24), dbSNP rs2522676687, ClinGen allele CA338168271.
Genomic context (GRCh38, chr1:8,355,548, plus strand): 5'-TCCATGGCCAGTCTCTGCAGCTCGGCCGACTGGGCATGCATGGCCTGCAGCTGGTGGGCT[G>A]CTGACATGGGGGGTGGGATGGCCCCAGGCAGGTCACGGGGGTAGGGGGTGCCTGCCGAAC-3'
Protein context (NP_001036146.1, residues 1503-1523): LPGAIPPPMS[Ala1513Val]AHQLQAMHAQ